The following is an entry in ClinVar:

ClinVar aggregate classification (germline): Pathogenic (1 of 4 stars; one submission).

Conditions:
Ehlers-Danlos syndrome, dermatosparaxis type. Also called: EDS VIIC; Dermatosparaxis; Ehlers-Danlos syndrome, type VII, autosomal recessive. Identifiers: Orphanet 1901, MedGen C2700425, MONDO:0009161, OMIM 225410.

Submission:

Myriad Genetics, Inc.
Classification: Pathogenic for Ehlers-Danlos syndrome, dermatosparaxis type. Last evaluated: 2024-05-14. Review status: criteria provided, single submitter. Criteria: Myriad Autosomal Dominant, Autosomal Recessive and X-Linked Classification Criteria (2023). Collection method: clinical testing. Allele origin: unknown.
Comment: NM_014244.4(ADAMTS2):c.33_34ins13(L12Yfs*58) is expected to be pathogenic in the context of Ehlers-Danlos syndrome, ADAMTS2-related. This variant is predicted to lead to an abnormal or absent protein product due to the creation of a premature termination codon in ADAMTS2, a gene where loss-of-function variants are known to be pathogenic. Please note: this variant was assessed in the context of healthy population screening.

NM_014244.5(ADAMTS2):c.33_34insTATAAGAGACAGT (p.Leu12fs)

Gene: ADAMTS2 (ADAM metallopeptidase with thrombospondin type 1 motif 2; minus strand). Cytogenetic location: 5q35.3.
Variant type: Insertion.
Coding change: c.33_34insTATAAGAGACAGT on transcript NM_014244.5 (MANE Select); coding-DNA positions 33 to 34, TATAAGAGACAGT inserted.
Protein change: p.Leu12fs; shifts the reading frame from leucine 12.
Molecular consequence: frameshift variant.
Genome position: GRCh38 VCF-style: chr5-179345295-G-GACTGTCTCTTATA. GRCh37 (hg19) VCF-style: chr5-178772296-G-GACTGTCTCTTATA.
Other names: c.33_34insTATAAGAGACAGT, p.Leu12fs (NM_021599.4); short protein forms L12fs.
Identifiers: ClinVar variation 5010356 (VCV005010356.1).
Genomic context (GRCh38, chr5:179,345,295, plus strand): 5'-GCGGCGGCGGCAGGAGCGGCGGCGGCAGCAGCAGCAGCAGCAGCAGCAGCGCGGGGCAGA[G>GACTGTCTCTTATA]CAGGCGGCGAGCGGCTCCCGCCGGCGGATCCATGGCAGCCGGACTGCAGCCGGGGCCCCG-3'